The following is an entry in ClinVar:

ClinVar aggregate classification (germline): Likely pathogenic (1 of 4 stars; one submission).

Submission:

Mayo Clinic Laboratories, Mayo Clinic
Classification: Likely pathogenic. Last evaluated: 2023-11-06. Review status: criteria provided, single submitter. Criteria: ACMG Guidelines, 2015. Collection method: clinical testing. Allele origin: germline. Observed: 1 variant allele.
Comment: PP3, PM1_strong, PM2

NM_033380.3(COL4A5):c.3061_3062delinsAT (p.Gly1021Ile)

Gene: COL4A5 (collagen type IV alpha 5 chain; plus strand). Cytogenetic location: Xq22.3.
Variant type: Indel.
Coding change: c.3061_3062delinsAT on transcript NM_033380.3 (MANE Select); coding-DNA positions 3061 to 3062, GG replaced by AT.
Protein change: p.Gly1021Ile; replaces glycine 1021 with isoleucine.
Molecular consequence: missense variant.
Genome position (GRCh38, 1-based): chrX:108,625,749-108,625,750, GG replaced by AT. VCF-style: chrX-108625749-GG-AT. GRCh37 (hg19) VCF-style: chrX-107868979-GG-AT.
Other names: p.Gly1021Ile; c.3061_3062delinsAT, p.Gly1021Ile (NM_000495.5); short protein forms G1021I.
Identifiers: ClinVar variation 3380931 (VCV003380931.1).